The following is an entry in ClinVar:

NM_018718.3(CEP41):c.*2896G>A

Gene: CEP41 (centrosomal protein 41; minus strand). Cytogenetic location: 7q32.2.
Variant type: single nucleotide variant.
Coding change: c.*2896G>A on transcript NM_018718.3 (MANE Select); 2896 bases downstream of the stop codon, G replaced by A.
Molecular consequence: 3 prime UTR variant. On other transcripts: non-coding transcript variant (1).
Genome position (GRCh38, 1-based): chr7:130,395,995, C>T on the plus strand (G>A on the coding strand, the complement: CEP41 is on the minus strand). VCF-style: chr7-130395995-C-T. GRCh37 (hg19) VCF-style: chr7-130035836-C-T.
Other names: c.*2896G>A (NM_001257158.2, NM_001257159.2).
Identifiers: ClinVar variation 358912 (VCV000358912.5), dbSNP rs147207980, ClinGen allele CA4485188.

ClinVar aggregate classification (germline): Likely benign (1 of 4 stars; one submission).

Conditions:
Joubert syndrome 15 (JBTS15). Identifiers: Orphanet 475, MedGen C3280897, MONDO:0013763, OMIM 614464.

Allele frequency attached by ClinVar (database versions not stated): ExAC 0.00019; gnomAD 0.00048 and 0.00075; TOPMed 0.00074; gnomAD exomes 0.00075 and 0.00177; 1000 Genomes Project 30x 0.00406; 1000 Genomes Project 0.00479.
gnomAD v4.1: 337 of 453,884 alleles (0.074%); highest among the groups gnomAD compares: East Asian, 2.2%; 2 homozygotes.

Submission:

Illumina Laboratory Services, Illumina
Classification: Likely benign for Joubert syndrome 15. Last evaluated: 2018-01-13. Review status: criteria provided, single submitter. Criteria: ICSL Variant Classification Criteria 13 December 2019. Collection method: clinical testing. Allele origin: germline.
Comment: This variant was observed in the ICSL laboratory as part of a predisposition screen in an ostensibly healthy population. It had not been previously curated by ICSL or reported in the Human Gene Mutation Database (HGMD: prior to June 1st, 2018), and was therefore a candidate for classification through an automated scoring system. Utilizing variant allele frequency, disease prevalence and penetrance estimates, and inheritance mode, an automated score was calculated to assess if this variant is too frequent to cause the disease. Based on the score and internal cut-off values, a variant classified as likely benign is not then subjected to further curation. The score for this variant resulted in a classification of likely benign for this disease.